The following is an entry in ClinVar:

NM_002907.4(RECQL):c.1175G>C (p.Ser392Thr)

Gene: RECQL (RecQ like helicase; minus strand). Cytogenetic location: 12p12.1.
Variant type: single nucleotide variant.
Coding change: c.1175G>C on transcript NM_002907.4 (MANE Select); coding-DNA position 1175, G replaced by C.
Protein change: p.Ser392Thr; replaces serine 392 with threonine.
Molecular consequence: missense variant.
Genome position (GRCh38, 1-based): chr12:21,475,509, C>G on the plus strand (G>C on the coding strand, the complement: RECQL is on the minus strand). VCF-style: chr12-21475509-C-G. GRCh37 (hg19) VCF-style: chr12-21628443-C-G.
Other names: c.1175G>C, p.Ser392Thr (NM_032941.3); short protein forms S392T.
Identifiers: ClinVar variation 3431804 (VCV003431804.1).

ClinVar aggregate classification (germline): Uncertain significance (1 of 4 stars; one submission).

Submission:

Ambry Genetics
Classification: Uncertain significance. Last evaluated: 2024-10-06. Review status: criteria provided, single submitter. Criteria: Ambry Variant Classification Scheme 2023. Collection method: clinical testing. Allele origin: germline.
Comment: The p.S392T variant (also known as c.1175G>C), located in coding exon 9 of the RECQL gene, results from a G to C substitution at nucleotide position 1175. The serine at codon 392 is replaced by threonine, an amino acid with similar properties. This amino acid position is conserved. In addition, the in silico prediction for this alteration is inconclusive. Based on the available evidence, the clinical significance of this variant remains unclear.